The following is an entry in ClinVar:

ClinVar aggregate classification (germline): Uncertain significance (1 of 4 stars; one submission).

Submission:

GeneDx
Classification: Uncertain significance. Last evaluated: 2024-08-19. Review status: criteria provided, single submitter. Criteria: GeneDx Variant Classification Process June 2021. Collection method: clinical testing. Allele origin: germline. Affected: yes.
Comment: Not observed at significant frequency in large population cohorts (gnomAD); In silico analysis supports that this missense variant has a deleterious effect on protein structure/function; Has not been previously published as pathogenic or benign to our knowledge

NM_003660.4(PPFIA3):c.3195C>A (p.Ser1065Arg)

Gene: PPFIA3 (PTPRF interacting protein alpha 3; plus strand). Cytogenetic location: 19q13.33.
Variant type: single nucleotide variant.
Coding change: c.3195C>A on transcript NM_003660.4 (MANE Select); coding-DNA position 3195, C replaced by A.
Protein change: p.Ser1065Arg; replaces serine 1065 with arginine.
Molecular consequence: missense variant. On other transcripts: non-coding transcript variant (1).
Genome position (GRCh38, 1-based): chr19:49,149,078, C>A. VCF-style: chr19-49149078-C-A. GRCh37 (hg19) VCF-style: chr19-49652335-C-A.
Other names: short protein forms S1065R.
Identifiers: ClinVar variation 3764398 (VCV003764398.1).
Genomic context (GRCh38, chr19:49,149,078, plus strand): 5'-GGTCATGGGTTGGGTGTCCGGGCTGGGCCTGAAGGAATTTGCCACGAACCTCACGGAGAG[C>A]GGGGTACACGGGGCACTGCTCGCCCTGGACGAGACCTTCGACTACTCCGACCTGGCCTTG-3'
Protein context (NP_003651.1, residues 1055-1075): LKEFATNLTE[Ser1065Arg]GVHGALLALD